The following is an entry in ClinVar:

NM_182919.4(TICAM1):c.1870T>G (p.Trp624Gly)

Gene: TICAM1 (TIR domain containing adaptor molecule 1; minus strand). Cytogenetic location: 19p13.3.
Variant type: single nucleotide variant.
Coding change: c.1870T>G on transcript NM_182919.4 (MANE Select); coding-DNA position 1870, T replaced by G.
Protein change: p.Trp624Gly; replaces tryptophan 624 with glycine.
Molecular consequence: missense variant.
Genome position (GRCh38, 1-based): chr19:4,816,508, A>C on the plus strand (T>G on the coding strand, the complement: TICAM1 is on the minus strand). VCF-style: chr19-4816508-A-C. GRCh37 (hg19) VCF-style: chr19-4816520-A-C.
Other names: c.1828T>G, p.Trp610Gly (NM_001385678.1); c.1735T>G, p.Trp579Gly (NM_001385679.1); c.1228T>G, p.Trp410Gly (NM_001385680.1); short protein forms W579G, W624G, W610G, W410G.
Identifiers: ClinVar variation 4693155 (VCV004693155.1).

ClinVar aggregate classification (germline): Uncertain significance (1 of 4 stars; one submission).

Conditions:
Encephalopathy, acute, infection-induced (herpes-specific), susceptibility to, 6. Also called: Herpes simplex encephalitis, susceptibility to, 4. Identifiers: Orphanet 1930, MedGen C3553869, MONDO:0013921, OMIM 614850.

Submission:

Labcorp Genetics (formerly Invitae), Labcorp
Classification: Uncertain significance for Encephalopathy, acute, infection-induced (herpes-specific), susceptibility to, 6. Last evaluated: 2025-07-27. Review status: criteria provided, single submitter. Criteria: Invitae Variant Classification Sherloc (09022015). Collection method: clinical testing. Allele origin: germline.
Comment: This sequence change replaces tryptophan, which is neutral and slightly polar, with glycine, which is neutral and non-polar, at codon 624 of the TICAM1 protein (p.Trp624Gly). This variant is not present in population databases (gnomAD no frequency). This variant has not been reported in the literature in individuals affected with TICAM1-related conditions. An algorithm developed to predict the effect of missense changes on protein structure and function outputs the following: PolyPhen-2: "Benign". The glycine amino acid residue is found in multiple mammalian species, which suggests that this missense change does not adversely affect protein function. In summary, the available evidence is currently insufficient to determine the role of this variant in disease. Therefore, it has been classified as a Variant of Uncertain Significance.